The following is an entry in ClinVar:

ClinVar aggregate classification (germline): Uncertain significance (1 of 4 stars; one submission).

Conditions:
Autosomal dominant limb-girdle muscular dystrophy type 1G (LGMDD3). Also called: Limb-girdle muscular dystrophy, type 1G; MUSCULAR DYSTROPHY, LIMB-GIRDLE, AUTOSOMAL DOMINANT 3. Identifiers: Orphanet 55596, MedGen C1836765, MONDO:0012193, OMIM 609115.

Submission:

Labcorp Genetics (formerly Invitae), Labcorp
Classification: Uncertain significance for Autosomal dominant limb-girdle muscular dystrophy type 1G. Last evaluated: 2023-07-28. Review status: criteria provided, single submitter. Criteria: Invitae Variant Classification Sherloc (09022015). Collection method: clinical testing. Allele origin: germline.
Comment: This sequence change replaces arginine, which is basic and polar, with proline, which is neutral and non-polar, at codon 79 of the HNRNPDL protein (p.Arg79Pro). This variant is not present in population databases (gnomAD no frequency). In summary, the available evidence is currently insufficient to determine the role of this variant in disease. Therefore, it has been classified as a Variant of Uncertain Significance. An algorithm developed to predict the effect of missense changes on protein structure and function (PolyPhen-2) suggests that this variant is likely to be disruptive. This variant has not been reported in the literature in individuals affected with HNRNPDL-related conditions.

NM_031372.4(HNRNPDL):c.236G>C (p.Arg79Pro)

Gene: HNRNPDL (heterogeneous nuclear ribonucleoprotein D like; minus strand). Cytogenetic location: 4q21.22.
Variant type: single nucleotide variant.
Coding change: c.236G>C on transcript NM_031372.4 (MANE Select); coding-DNA position 236, G replaced by C.
Protein change: p.Arg79Pro; replaces arginine 79 with proline.
Molecular consequence: missense variant. On other transcripts: non-coding transcript variant (1).
Genome position (GRCh38, 1-based): chr4:82,429,455, C>G on the plus strand (G>C on the coding strand, the complement: HNRNPDL is on the minus strand). VCF-style: chr4-82429455-C-G. GRCh37 (hg19) VCF-style: chr4-83350608-C-G.
Other names: c.236G>C, p.Arg79Pro (NM_001207000.1); short protein forms R79P.
Identifiers: ClinVar variation 2745576 (VCV002745576.3), dbSNP rs2530024566, ClinGen allele CA357172743.
Genomic context (GRCh38, chr4:82,429,455, plus strand): 5'-GCGGAGCGTTGTATGGAGCTGGATTTAAAATGGCGGCGGAAGAGATCCGGGCGCCGCCTG[C>G]GCCCTCCCTTTATAGCCGCCCCGCCCGCCAATCGGGAGGGCTGCTGGGCGGTGACGTGGC-3'
Protein context (NP_112740.1, residues 69-89): LAGGAAIKGG[Arg79Pro]RRRPDLFRRH